The following is an entry in ClinVar:

ClinVar aggregate classification (germline): Uncertain significance (1 of 4 stars; one submission).

Conditions:
Developmental and epileptic encephalopathy, 7 (DEE7). Also called: Early infantile epileptic encephalopathy 7; KCNQ2-Related Neonatal-Onset Developmental and Epileptic Encephalopathy (NEO-DEE); KCNQ2-Related Neonatal Epileptic Encephalopathy. Identifiers: Orphanet 439218, MedGen C3150986, MONDO:0013387, OMIM 613720.

Submission:

Laboratorio de Genetica e Diagnostico Molecular, Hospital Israelita Albert Einstein
Classification: Uncertain significance for Developmental and epileptic encephalopathy, 7. Last evaluated: 2022-08-05. Review status: criteria provided, single submitter. Criteria: ACMG Guidelines, 2015. Collection method: clinical testing. Allele origin: germline. Affected: yes. Observed: 1 variant allele.
Comment: ACMG classification criteria: PM2 moderated, PM4

NM_172107.4(KCNQ2):c.329_334del (p.Ser110_Val111del)

Gene: KCNQ2 (potassium voltage-gated channel subfamily Q member 2; minus strand). Cytogenetic location: 20q13.33.
Variant type: Deletion.
Coding change: c.329_334del on transcript NM_172107.4 (MANE Select); coding-DNA positions 329 to 334, 6 bases deleted (CTGTGT; older notation c.329_334delCTGTGT).
Protein change: p.Ser110_Val111del.
Molecular consequence: inframe deletion.
Genome position (GRCh38, 1-based): chr20:63,446,800-63,446,805, ACACAG deleted on the plus strand (CTGTGT on the coding strand, the reverse complement: KCNQ2 is on the minus strand); deleting any 6 consecutive bases within chr20:63,446,800-63,446,808 gives the same sequence; the c. name uses the placement nearest the transcript's 3' end. VCF-style (leftmost placement, unchanged base first): chr20-63446799-AACACAG-A. GRCh37 (hg19) VCF-style: chr20-62078152-AACACAG-A.
Other names: c.329_334del, p.Ser110_Val111del (NM_001382235.1, NM_004518.6, NM_172106.3 and 2 more transcripts).
Identifiers: ClinVar variation 2431716 (VCV002431716.1), dbSNP rs2516534033, ClinGen allele CA2580098423.